The following is an entry in ClinVar:

ClinVar aggregate classification (germline): Likely pathogenic (1 of 4 stars; one submission).

gnomAD v4.1: 19 of 1,613,984 alleles (0.0012%); highest among the groups gnomAD compares: Admixed American, 0.017%; no homozygotes.

Submission:

Labcorp Genetics (formerly Invitae), Labcorp
Classification: Likely pathogenic. Last evaluated: 2024-08-05. Review status: criteria provided, single submitter. Criteria: Invitae Variant Classification Sherloc (09022015). Collection method: clinical testing. Allele origin: germline.
Comment: This sequence change replaces arginine, which is basic and polar, with tryptophan, which is neutral and slightly polar, at codon 27 of the PEPD protein (p.Arg27Trp). This variant is present in population databases (rs772520514, gnomAD 0.02%). This missense change has been observed in individual(s) with prolidase deficiency (Invitae). In at least one individual the data is consistent with being in trans (on the opposite chromosome) from a pathogenic variant. Advanced modeling of protein sequence and biophysical properties (such as structural, functional, and spatial information, amino acid conservation, physicochemical variation, residue mobility, and thermodynamic stability) performed at Invitae indicates that this missense variant is expected to disrupt PEPD protein function with a positive predictive value of 80%. In summary, the currently available evidence indicates that the variant is pathogenic, but additional data are needed to prove that conclusively. Therefore, this variant has been classified as Likely Pathogenic.

NM_000285.4(PEPD):c.79C>T (p.Arg27Trp)

Gene: PEPD (peptidase D; minus strand). Cytogenetic location: 19q13.11.
Variant type: single nucleotide variant.
Coding change: c.79C>T on transcript NM_000285.4 (MANE Select); coding-DNA position 79, C replaced by T.
Protein change: p.Arg27Trp; replaces arginine 27 with tryptophan.
Molecular consequence: missense variant.
Genome position (GRCh38, 1-based): chr19:33,512,715, G>A on the plus strand (C>T on the coding strand, the complement: PEPD is on the minus strand). VCF-style: chr19-33512715-G-A. GRCh37 (hg19) VCF-style: chr19-34003621-G-A.
Other names: c.79C>T, p.Arg27Trp (NM_001166056.2, NM_001166057.2); short protein forms R27W.
Identifiers: ClinVar variation 3611581 (VCV003611581.2).